The following is an entry in ClinVar:

NM_001006658.3(CR2):c.2110T>C (p.Cys704Arg)

Gene: CR2 (complement C3d receptor 2; plus strand). Cytogenetic location: 1q32.2.
Variant type: single nucleotide variant.
Coding change: c.2110T>C on transcript NM_001006658.3 (MANE Select); coding-DNA position 2110, T replaced by C.
Protein change: p.Cys704Arg; replaces cysteine 704 with arginine.
Molecular consequence: missense variant. On other transcripts: intron variant (1).
Genome position (GRCh38, 1-based): chr1:207,473,676, T>C. VCF-style: chr1-207473676-T-C. GRCh37 (hg19) VCF-style: chr1-207647021-T-C.
Other names: c.1979-125T>C (NM_001877.5); short protein forms C704R.
Identifiers: ClinVar variation 1491667 (VCV001491667.6), dbSNP rs777109970, ClinGen allele CA1368880.

ClinVar aggregate classification (germline): Uncertain significance (1 of 4 stars; one submission).

Conditions:
Immunodeficiency, common variable, 7. Identifiers: Orphanet 1572, Orphanet 696894, MedGen C3542922, MONDO:0013862, OMIM 614699.

Allele frequency attached by ClinVar (database versions not stated): gnomAD 0.00001; TOPMed below 0.00001; ExAC 0.00001; gnomAD exomes below 0.00001.
gnomAD v4.1: 3 of 1,613,936 alleles (0.00019%); highest among the groups gnomAD compares: Non-Finnish European, 0.00017%; no homozygotes.

Submission:

Labcorp Genetics (formerly Invitae), Labcorp
Classification: Uncertain significance for Immunodeficiency, common variable, 7. Last evaluated: 2021-05-17. Review status: criteria provided, single submitter. Criteria: Invitae Variant Classification Sherloc (09022015). Collection method: clinical testing. Allele origin: germline.
Comment: In summary, the available evidence is currently insufficient to determine the role of this variant in disease. Therefore, it has been classified as a Variant of Uncertain Significance. Algorithms developed to predict the effect of missense changes on protein structure and function are either unavailable or do not agree on the potential impact of this missense change (SIFT: "Tolerated"; PolyPhen-2: "Probably Damaging"; Align-GVGD: "Class C0"). This variant has not been reported in the literature in individuals with CR2-related conditions. This variant is present in population databases (rs777109970, ExAC 0.001%). This sequence change replaces cysteine with arginine at codon 704 of the CR2 protein (p.Cys704Arg). The cysteine residue is weakly conserved and there is a large physicochemical difference between cysteine and arginine.